The following is an entry in ClinVar:

NM_001868.4(CPA1):c.2T>C (p.Met1Thr)

Gene: CPA1 (carboxypeptidase A1; plus strand). Cytogenetic location: 7q32.2.
Variant type: single nucleotide variant.
Coding change: c.2T>C on transcript NM_001868.4 (MANE Select); coding-DNA position 2, T replaced by C.
Protein change: p.Met1Thr; changes the start codon (methionine 1).
Molecular consequence: missense variant, initiator codon variant.
Genome position (GRCh38, 1-based): chr7:130,380,522, T>C. VCF-style: chr7-130380522-T-C. GRCh37 (hg19) VCF-style: chr7-130020363-T-C.
Other names: short protein forms M1T.
Identifiers: ClinVar variation 822535 (VCV000822535.10), dbSNP rs142127319, ClinGen allele CA166884504.

ClinVar aggregate classification (germline): Conflicting classifications of pathogenicity. Review status: criteria provided, conflicting classifications (1 of 4 stars). 2 submissions from 2 submitters: Uncertain significance (1); Likely benign (1). Last evaluated 2023-03-03.

Conditions:
Hereditary pancreatitis (PCTT). Also called: Hereditary chronic pancreatitis; PRSS1-Related Hereditary Pancreatitis. Identifiers: Orphanet 676, MedGen C0238339, MONDO:0008185, OMIM 167800.

Allele frequency attached by ClinVar (database versions not stated): gnomAD 0.00001; gnomAD exomes 0.00002; TOPMed 0.00002; ESP Exome Variant Server 0.00008.

Submissions (2):

Labcorp Genetics (formerly Invitae), Labcorp
Classification: Uncertain significance. Last evaluated: 2023-03-03. Review status: criteria provided, single submitter. Criteria: Invitae Variant Classification Sherloc (09022015). Collection method: clinical testing. Allele origin: germline.
Comment: In summary, the available evidence is currently insufficient to determine the role of this variant in disease. Therefore, it has been classified as a Variant of Uncertain Significance. Experimental studies and prediction algorithms are not available or were not evaluated, and the functional significance of this variant is currently unknown. This variant is present in population databases (rs142127319, gnomAD 0.007%). ClinVar contains an entry for this variant (Variation ID: 822535). This variant has not been reported in the literature in individuals affected with CPA1-related conditions. This sequence change affects the initiator methionine of the CPA1 mRNA. The next in-frame methionine is located at codon 89.

Ambry Genetics
Classification: Likely benign for Hereditary pancreatitis. Last evaluated: 2019-09-20. Review status: criteria provided, single submitter. Criteria: Ambry Variant Classification Scheme 2023. Collection method: clinical testing. Allele origin: germline.

Literature cited by the submitters: PubMed 23955596 (cited by Ambry Genetics); PubMed 29669919 (cited by Ambry Genetics); PubMed 30045879 (cited by Ambry Genetics).